The following is an entry in ClinVar:

NM_001370466.1(NOD2):c.2134T>A (p.Phe712Ile)

Gene: NOD2 (nucleotide binding oligomerization domain containing 2; plus strand). Cytogenetic location: 16q12.1.
Variant type: single nucleotide variant.
Coding change: c.2134T>A on transcript NM_001370466.1 (MANE Select); coding-DNA position 2134, T replaced by A.
Protein change: p.Phe712Ile; replaces phenylalanine 712 with isoleucine.
Molecular consequence: missense variant. On other transcripts: non-coding transcript variant (1).
Genome position (GRCh38, 1-based): chr16:50,712,126, T>A. VCF-style: chr16-50712126-T-A. GRCh37 (hg19) VCF-style: chr16-50746037-T-A.
Other names: p.Phe739Ile; c.2134T>A, p.Phe712Ile (NM_001293557.2); c.2215T>A, p.Phe739Ile (NM_022162.3); short protein forms F739I, F712I.
Identifiers: ClinVar variation 4542031 (VCV004542031.1).

ClinVar aggregate classification (germline): Uncertain significance (1 of 4 stars; one submission).

Submission:

Mayo Clinic Laboratories, Mayo Clinic
Classification: Uncertain significance. Last evaluated: 2025-05-22. Review status: criteria provided, single submitter. Criteria: ACMG Guidelines, 2015. Collection method: clinical testing. Allele origin: germline. Observed: 1 variant allele.
Comment: PM2_supporting